The following is an entry in ClinVar:

NM_000069.3(CACNA1S):c.3240G>T (p.Glu1080Asp)

Gene: CACNA1S (calcium voltage-gated channel subunit alpha1 S; minus strand). Cytogenetic location: 1q32.1.
Variant type: single nucleotide variant.
Coding change: c.3240G>T on transcript NM_000069.3 (MANE Select); coding-DNA position 3240, G replaced by T.
Protein change: p.Glu1080Asp; replaces glutamic acid 1080 with aspartic acid.
Molecular consequence: missense variant.
Genome position (GRCh38, 1-based): chr1:201,061,282, C>A on the plus strand (G>T on the coding strand, the complement: CACNA1S is on the minus strand). VCF-style: chr1-201061282-C-A. GRCh37 (hg19) VCF-style: chr1-201030410-C-A.
Other names: c.3240G>T (NM_000069.2); short protein forms E1080D.
Identifiers: ClinVar variation 2930524 (VCV002930524.6), dbSNP rs559955919, ClinGen allele CA36007227.

ClinVar aggregate classification (germline): Uncertain significance. Review status: criteria provided, multiple submitters, no conflicts (2 of 4 stars). 4 submissions from 4 submitters: Uncertain significance (4). Last evaluated 2025-11-19.

Conditions:
Malignant hyperthermia, susceptibility to, 5 (MHS5). Also called: CACNA1S-Related Malignant Hyperthermia Susceptibility. Identifiers: Orphanet 423, MedGen C1866077, MONDO:0011163, OMIM 601887.
Hypokalemic periodic paralysis, type 1. Also called: Hypokalemic Periodic Paralysis Type 1 (AD); HypoPP. Identifiers: Orphanet 681, MedGen C3714580, MONDO:0042979, OMIM 170400.
Inborn genetic diseases. Identifiers: MedGen C0950123, MeSH D030342.

Allele frequency attached by ClinVar (database versions not stated): TOPMed below 0.00001.
gnomAD v4.1: 5 of 1,614,198 alleles (0.00031%); highest among the groups gnomAD compares: Non-Finnish European, 0.00034%; no homozygotes.

Submissions (4):

Ambry Genetics
Classification: Uncertain significance for Inborn genetic diseases. Last evaluated: 2025-11-19. Review status: criteria provided, single submitter. Criteria: Ambry Variant Classification Scheme 2023. Collection method: clinical testing. Allele origin: germline.

Labcorp Genetics (formerly Invitae), Labcorp
Classification: Uncertain significance for Hypokalemic periodic paralysis, type 1; Malignant hyperthermia, susceptibility to, 5. Last evaluated: 2025-10-31. Review status: criteria provided, single submitter. Criteria: Invitae Variant Classification Sherloc (09022015). Collection method: clinical testing. Allele origin: germline.
Comment: This sequence change replaces glutamic acid, which is acidic and polar, with aspartic acid, which is acidic and polar, at codon 1080 of the CACNA1S protein (p.Glu1080Asp). This variant is not present in population databases (gnomAD no frequency). This variant has not been reported in the literature in individuals affected with CACNA1S-related conditions. ClinVar contains an entry for this variant (Variation ID: 2930524). Invitae Evidence Modeling of protein sequence and biophysical properties (such as structural, functional, and spatial information, amino acid conservation, physicochemical variation, residue mobility, and thermodynamic stability) indicates that this missense variant is not expected to disrupt CACNA1S protein function with a negative predictive value of 95%. In summary, the available evidence is currently insufficient to determine the role of this variant in disease. Therefore, it has been classified as a Variant of Uncertain Significance.

All of Us Research Program, National Institutes of Health
Classification: Uncertain significance for Malignant hyperthermia, susceptibility to, 5. Last evaluated: 2023-11-02. Review status: criteria provided, single submitter. Criteria: ACMG Guidelines, 2015. Collection method: clinical testing. Allele origin: germline. Inheritance: Autosomal dominant inheritance. Observed: 1 variant allele, 1 heterozygote.
Comment: This missense variant replaces glutamic acid with aspartic acid at codon 1080 of the CACNA1S protein. Computational prediction suggests that this variant may have deleterious impact on protein structure and function (internally defined REVEL score threshold >= 0.7, PMID: 27666373). To our knowledge, functional studies have not been reported for this variant. This variant has not been reported in individuals affected with CACNA1S-related disorders in the literature. This variant has not been identified in the general population by the Genome Aggregation Database (gnomAD). The available evidence is insufficient to determine the role of this variant in disease conclusively. Therefore, this variant is classified as a Variant of Uncertain Significance.

This study involves interpretation of variants in research participants for the purpose of population health screening. Participant phenotype was not available at the time of variant classification. Additional details can be found in publication PMID: 35346344, PMCID: PMC8962531

Color Diagnostics, LLC DBA Color Health
Classification: Uncertain significance for Malignant hyperthermia, susceptibility to, 5. Last evaluated: 2023-10-18. Review status: criteria provided, single submitter. Criteria: ACMG Guidelines, 2015. Collection method: clinical testing. Allele origin: germline.
Comment: This missense variant replaces glutamic acid with aspartic acid at codon 1080 of the CACNA1S protein. Computational prediction suggests that this variant may have deleterious impact on protein structure and function. To our knowledge, functional studies have not been reported for this variant. This variant has not been reported in individuals affected with CACNA1S-related disorders in the literature. This variant has not been identified in the general population by the Genome Aggregation Database (gnomAD). The available evidence is insufficient to determine the role of this variant in disease conclusively. Therefore, this variant is classified as a Variant of Uncertain Significance.